The following is an entry in ClinVar:

ClinVar aggregate classification (germline): Pathogenic/Likely pathogenic. Review status: criteria provided, multiple submitters, no conflicts (2 of 4 stars). 3 submissions from 3 submitters: Pathogenic (1); Likely pathogenic (2). Last evaluated 2025-01-15.

Conditions:
Familial cancer of breast. Also called: Hereditary breast cancer; hereditary breast carcinoma; BREAST CANCER, FAMILIAL. Identifiers: Orphanet 227535, MedGen C0346153, MONDO:0016419, OMIM 114480. Disease mechanism: loss of function.
Fanconi anemia complementation group J. Also called: BRIP1-Related Fanconi Anemia. Identifiers: Orphanet 84, MedGen C1836860, MONDO:0012187, OMIM 609054.
Hereditary cancer-predisposing syndrome. Also called: Hereditary Cancer Syndrome; Neoplastic Syndromes, Hereditary; Hereditary neoplastic syndrome; Tumor predisposition. Identifiers: Orphanet 140162, MedGen C0027672, MeSH D009386, MONDO:0015356.

Allele frequency attached by ClinVar (database versions not stated): gnomAD exomes below 0.00001.
gnomAD v4.1: 2 of 1,611,222 alleles (0.00012%); highest among the groups gnomAD compares: African/African-American, 0.0013%; no homozygotes.

Submissions (3):

Labcorp Genetics (formerly Invitae), Labcorp
Classification: Pathogenic for Familial cancer of breast; Fanconi anemia complementation group J. Last evaluated: 2025-01-15. Review status: criteria provided, single submitter. Criteria: Invitae Variant Classification Sherloc (09022015). Collection method: clinical testing. Allele origin: germline.
Comment: This sequence change affects an acceptor splice site in intron 10 of the BRIP1 gene. RNA analysis indicates that disruption of this splice site induces altered splicing and may result in an absent or altered protein product. This variant is not present in population databases (gnomAD no frequency). This variant has not been reported in the literature in individuals affected with BRIP1-related conditions. ClinVar contains an entry for this variant (Variation ID: 819300). Studies have shown that disruption of this splice site results in skipping of exon 11, and produces a non-functional protein and/or introduces a premature termination codon (internal data). For these reasons, this variant has been classified as Pathogenic.

Myriad Genetics, Inc.
Classification: Likely pathogenic for Familial cancer of breast. Last evaluated: 2023-06-02. Review status: criteria provided, single submitter. Criteria: Myriad Autosomal Dominant, Autosomal Recessive and X-Linked Classification Criteria (2023). Collection method: clinical testing. Allele origin: unknown.
Comment: This variant is considered likely pathogenic. This variant occurs within a consensus splice junction and is predicted to result in abnormal mRNA splicing of either an out-of-frame exon or an in-frame exon necessary for protein stability and/or normal function.

Ambry Genetics
Classification: Likely pathogenic for Hereditary cancer-predisposing syndrome. Last evaluated: 2019-08-19. Review status: criteria provided, single submitter. Criteria: Ambry Variant Classification Scheme 2023. Collection method: clinical testing. Allele origin: germline.
Comment: The c.1474-2A>G intronic variant results from an A to G substitution two nucleotides upstream from coding exon 10 in the BRIP1 gene. This nucleotide position is highly conserved in available vertebrate species. Using the BDGP and ESEfinder splice site prediction tools, this alteration is predicted to abolish the native splice acceptor site; however, direct evidence is unavailable. Alterations that disrupt the canonical splice site are expected to cause aberrant splicing, resulting in an abnormal protein or a transcript that is subject to nonsense-mediated mRNA decay. As such, this alteration is classified as likely pathogenic.

NM_032043.3(BRIP1):c.1474-2A>G

Gene: BRIP1 (BRCA1 interacting DNA helicase 1; minus strand). Cytogenetic location: 17q23.2.
Variant type: single nucleotide variant.
Coding change: c.1474-2A>G on transcript NM_032043.3 (MANE Select); the canonical splice acceptor site of the intron before coding-DNA position 1474, A replaced by G.
Molecular consequence: splice acceptor variant.
Genome position (GRCh38, 1-based): chr17:61,784,426, T>C on the plus strand (A>G on the coding strand, the complement: BRIP1 is on the minus strand). VCF-style: chr17-61784426-T-C. GRCh37 (hg19) VCF-style: chr17-59861787-T-C.
Identifiers: ClinVar variation 819300 (VCV000819300.15), dbSNP rs1603337052, ClinGen allele CA400481799.
Genomic context (GRCh38, chr17:61,784,426, plus strand): 5'-TCTTTACCATAAATTGGTGAGATTTTTTCCTCTTTTTGAAGAACAGCAGAAAAATGTCCC[T>C]ATAAGAAATTACCATATTAAGTATAGAGGGGTTGGGAGGGAATTGGAAAAAGAAACTTCT-3'